The following is an entry in ClinVar:

NM_001845.6(COL4A1):c.2557A>G (p.Ile853Val)

Gene: COL4A1 (collagen type IV alpha 1 chain; minus strand). Cytogenetic location: 13q34.
Variant type: single nucleotide variant.
Coding change: c.2557A>G on transcript NM_001845.6 (MANE Select); coding-DNA position 2557, A replaced by G.
Protein change: p.Ile853Val; replaces isoleucine 853 with valine.
Molecular consequence: missense variant.
Genome position (GRCh38, 1-based): chr13:110,178,133, T>C on the plus strand (A>G on the coding strand, the complement: COL4A1 is on the minus strand). VCF-style: chr13-110178133-T-C. GRCh37 (hg19) VCF-style: chr13-110830480-T-C.
Other names: c.2557A>G (NM_001845.4); short protein forms I853V.
Identifiers: ClinVar variation 3665086 (VCV003665086.3).

ClinVar aggregate classification (germline): Uncertain significance. Review status: criteria provided, multiple submitters, no conflicts (2 of 4 stars). 2 submissions from 2 submitters: Uncertain significance (2). Last evaluated 2026-02-26.

gnomAD v4.1: 49 of 1,614,068 alleles (0.003%); highest among the groups gnomAD compares: Non-Finnish European, 0.0039%; no homozygotes.

Submissions (2):

GeneDx
Classification: Uncertain significance. Last evaluated: 2026-02-26. Review status: criteria provided, single submitter. Criteria: GeneDx Variant Classification Process June 2021. Collection method: clinical testing. Allele origin: germline.
Comment: Has not been previously published as pathogenic or benign to our knowledge; In silico analysis suggests that this missense variant does not alter protein structure/function; Occurs in the triple helical domain at the X position in the canonical Gly-X-Y repeat; although this variant may have an effect on normal protein folding and function, missense substitution at the X position is not a common mechanism of disease

Labcorp Genetics (formerly Invitae), Labcorp
Classification: Uncertain significance. Last evaluated: 2025-07-23. Review status: criteria provided, single submitter. Criteria: Invitae Variant Classification Sherloc (09022015). Collection method: clinical testing. Allele origin: germline.
Comment: This sequence change replaces isoleucine, which is neutral and non-polar, with valine, which is neutral and non-polar, at codon 853 of the COL4A1 protein (p.Ile853Val). This variant is present in population databases (rs745745728, gnomAD 0.004%). This variant has not been reported in the literature in individuals affected with COL4A1-related conditions. ClinVar contains an entry for this variant (Variation ID: 3665086). Invitae Evidence Modeling of protein sequence and biophysical properties (such as structural, functional, and spatial information, amino acid conservation, physicochemical variation, residue mobility, and thermodynamic stability) indicates that this missense variant is not expected to disrupt COL4A1 protein function with a negative predictive value of 95%. In summary, the available evidence is currently insufficient to determine the role of this variant in disease. Therefore, it has been classified as a Variant of Uncertain Significance.